The following is an entry in ClinVar:

NM_030943.4(AMN):c.1219C>T (p.Arg407Cys)

Gene: AMN (amnion associated transmembrane protein; plus strand). Cytogenetic location: 14q32.32.
Variant type: single nucleotide variant.
Coding change: c.1219C>T on transcript NM_030943.4 (MANE Select); coding-DNA position 1219, C replaced by T.
Protein change: p.Arg407Cys; replaces arginine 407 with cysteine.
Molecular consequence: missense variant.
Genome position (GRCh38, 1-based): chr14:102,930,455, C>T. VCF-style: chr14-102930455-C-T. GRCh37 (hg19) VCF-style: chr14-103396792-C-T.
Other names: short protein forms R407C.
Identifiers: ClinVar variation 1953948 (VCV001953948.3), dbSNP rs1595434851, ClinGen allele CA391083909.
Genomic context (GRCh38, chr14:102,930,455, plus strand): 5'-TACGCCCTCAGGTGGAGGAGGCACGAGGCGGCGGCCCCGGCTGGAGCGCCCCTCGGCTTC[C>T]GCAACCCGGTGTTCGACGTGACGGCCTCCGAGGAGCTGGTGAGGGGGCTGGAGGGGGGAC-3'
Protein context (NP_112205.2, residues 397-417): AAPAGAPLGF[Arg407Cys]NPVFDVTASE

ClinVar aggregate classification (germline): Uncertain significance (1 of 4 stars; one submission).

Conditions:
Imerslund-Grasbeck syndrome. Also called: Megaloblastic anemia due to inborn errors of metabolism; ENTEROCYTE COBALAMIN MALABSORPTION; ENTEROCYTE INTRINSIC FACTOR RECEPTOR, DEFECT OF; PERNICIOUS ANEMIA, JUVENILE, DUE TO SELECTIVE INTESTINAL MALABSORPTION OF VITAMIN B12, WITH PROTEINURIA; Imerslund-Gräsbeck syndrome. Identifiers: Orphanet 35858, MedGen C4551825, MONDO:0009853.

Allele frequency attached by ClinVar (database versions not stated): gnomAD exomes below 0.00001.

Submission:

Labcorp Genetics (formerly Invitae), Labcorp
Classification: Uncertain significance for Imerslund-Grasbeck syndrome. Last evaluated: 2022-05-08. Review status: criteria provided, single submitter. Criteria: Invitae Variant Classification Sherloc (09022015). Collection method: clinical testing. Allele origin: germline.
Comment: This sequence change replaces arginine, which is basic and polar, with cysteine, which is neutral and slightly polar, at codon 407 of the AMN protein (p.Arg407Cys). This variant is not present in population databases (gnomAD no frequency). This variant has not been reported in the literature in individuals affected with AMN-related conditions. Algorithms developed to predict the effect of missense changes on protein structure and function are either unavailable or do not agree on the potential impact of this missense change (SIFT: "Deleterious"; PolyPhen-2: "Benign"; Align-GVGD: "Class C0"). In summary, the available evidence is currently insufficient to determine the role of this variant in disease. Therefore, it has been classified as a Variant of Uncertain Significance.